The following is an entry in ClinVar:

NM_198428.3(BBS9):c.985A>G (p.Ile329Val)

Gene: BBS9 (Bardet-Biedl syndrome 9; plus strand). Cytogenetic location: 7p14.3.
Variant type: single nucleotide variant.
Coding change: c.985A>G on transcript NM_198428.3 (MANE Select); coding-DNA position 985, A replaced by G.
Protein change: p.Ile329Val; replaces isoleucine 329 with valine.
Molecular consequence: missense variant. On other transcripts: non-coding transcript variant (3).
Genome position (GRCh38, 1-based): chr7:33,273,925, A>G. VCF-style: chr7-33273925-A-G. GRCh37 (hg19) VCF-style: chr7-33313537-A-G.
Other names: c.985A>G, p.Ile329Val (NM_001033604.2, NM_001033605.2, NM_001348036.1 and 5 more transcripts); c.619A>G, p.Ile207Val (NM_001348037.3, NM_001348044.3, NM_001348045.3 and 1 more transcripts); c.712A>G, p.Ile238Val (NM_001348038.3, NM_001348039.3); c.850A>G, p.Ile284Val (NM_001348042.3); short protein forms I284V, I207V, I238V, I329V.
Identifiers: ClinVar variation 5001556 (VCV005001556.1).
Genomic context (GRCh38, chr7:33,273,925, plus strand): 5'-AATAACATGCTGCATATTTATCAAGATGTGACACTGAAGTGGGCCACCCAACTTCCCCAC[A>G]TTCCTGTAGCAGTAAGAGTGGGCTGTTTGCAGTAAGTGATTTAATTTAACACAGTTTTTA-3'
Protein context (NP_940820.1, residues 319-339): TLKWATQLPH[Ile329Val]PVAVRVGCLH

ClinVar aggregate classification (germline): Uncertain significance (1 of 4 stars; one submission).

Conditions:
BBS9-related disorder. Also called: BBS9-related condition.

gnomAD v4.1: 5 of 1,613,554 alleles (0.00031%); highest among the groups gnomAD compares: African/African-American, 0.0013%; no homozygotes.

Submission:

PreventionGenetics, part of Exact Sciences
Classification: Uncertain significance for BBS9-related condition. Last evaluated: 2024-11-15. Review status: criteria provided, single submitter. Criteria: ACMG Guidelines, 2015. Collection method: clinical testing. Allele origin: germline.
Comment: The BBS9 c.985A>G variant is predicted to result in the amino acid substitution p.Ile329Val. To our knowledge, this variant has not been reported in the literature or in a large population database (gnomAD), indicating this variant is rare. At this time, the clinical significance of this variant is uncertain due to the absence of conclusive functional and genetic evidence.